The following is an entry in ClinVar:

ClinVar aggregate classification (germline): Uncertain significance (1 of 4 stars; one submission).

Conditions:
Brachyolmia-amelogenesis imperfecta syndrome. Also called: PLATYSPONDYLY WITH AMELOGENESIS IMPERFECTA; Tooth agenesis, selective, 6; Dental anomalies and short stature. Identifiers: Orphanet 2899, MedGen C1832594, MONDO:0011018, OMIM 601216. Disease mechanism: loss of function.

Submission:

Labcorp Genetics (formerly Invitae), Labcorp
Classification: Uncertain significance for Brachyolmia-amelogenesis imperfecta syndrome. Last evaluated: 2025-04-20. Review status: criteria provided, single submitter. Criteria: Invitae Variant Classification Sherloc (09022015). Collection method: clinical testing. Allele origin: germline.
Comment: This sequence change replaces phenylalanine, which is neutral and non-polar, with leucine, which is neutral and non-polar, at codon 62 of the LTBP3 protein (p.Phe62Leu). This variant is not present in population databases (gnomAD no frequency). This variant has not been reported in the literature in individuals affected with LTBP3-related conditions. An algorithm developed to predict the effect of missense changes on protein structure and function (PolyPhen-2) suggests that this variant is likely to be disruptive. In summary, the available evidence is currently insufficient to determine the role of this variant in disease. Therefore, it has been classified as a Variant of Uncertain Significance.

NM_001130144.3(LTBP3):c.184T>C (p.Phe62Leu)

Gene: LTBP3 (latent transforming growth factor beta binding protein 3; minus strand). Cytogenetic location: 11q13.1.
Variant type: single nucleotide variant.
Coding change: c.184T>C on transcript NM_001130144.3 (MANE Select); coding-DNA position 184, T replaced by C.
Protein change: p.Phe62Leu; replaces phenylalanine 62 with leucine.
Molecular consequence: missense variant. On other transcripts: 5 prime UTR variant (1).
Genome position (GRCh38, 1-based): chr11:65,557,776, A>G on the plus strand (T>C on the coding strand, the complement: LTBP3 is on the minus strand). VCF-style: chr11-65557776-A-G. GRCh37 (hg19) VCF-style: chr11-65325247-A-G.
Other names: c.-164T>C (NM_001164266.1); c.184T>C, p.Phe62Leu (NM_021070.4); short protein forms F62L.
Identifiers: ClinVar variation 4799103 (VCV004799103.1).